The following is an entry in ClinVar:

ClinVar aggregate classification (germline): Uncertain significance (1 of 4 stars; one submission).

Submission:

Labcorp Genetics (formerly Invitae), Labcorp
Classification: Uncertain significance. Last evaluated: 2022-03-26. Review status: criteria provided, single submitter. Criteria: Invitae Variant Classification Sherloc (09022015). Collection method: clinical testing. Allele origin: germline.
Comment: In summary, the available evidence is currently insufficient to determine the role of this variant in disease. Therefore, it has been classified as a Variant of Uncertain Significance. Algorithms developed to predict the effect of missense changes on protein structure and function (SIFT, PolyPhen-2, Align-GVGD) all suggest that this variant is likely to be tolerated. This variant has not been reported in the literature in individuals affected with SBF1-related conditions. This variant is not present in population databases (gnomAD no frequency). This sequence change replaces alanine, which is neutral and non-polar, with proline, which is neutral and non-polar, at codon 1408 of the SBF1 protein (p.Ala1408Pro).

NM_002972.4(SBF1):c.4222G>C (p.Ala1408Pro)

Gene: SBF1 (SET binding factor 1; minus strand). Cytogenetic location: 22q13.33.
Variant type: single nucleotide variant.
Coding change: c.4222G>C on transcript NM_002972.4 (MANE Select); coding-DNA position 4222, G replaced by C.
Protein change: p.Ala1408Pro; replaces alanine 1408 with proline.
Molecular consequence: missense variant.
Genome position (GRCh38, 1-based): chr22:50,456,260, C>G on the plus strand (G>C on the coding strand, the complement: SBF1 is on the minus strand). VCF-style: chr22-50456260-C-G. GRCh37 (hg19) VCF-style: chr22-50894689-C-G.
Other names: c.4147G>C, p.Ala1383Pro (NM_001365819.1); c.4225G>C, p.Ala1409Pro (NM_001410794.1); c.4144G>C, p.Ala1382Pro (NM_001410795.1); c.4222G>C, p.Ala1408Pro (NM_197971.1); short protein forms A1408P, A1382P, A1383P, A1409P.
Identifiers: ClinVar variation 2108798 (VCV002108798.4), dbSNP rs2521850945, ClinGen allele CA412198625.